The following is an entry in ClinVar:

NM_001903.5(CTNNA1):c.1807G>A (p.Ala603Thr)

Gene: CTNNA1 (catenin alpha 1; plus strand). Cytogenetic location: 5q31.2.
Variant type: single nucleotide variant.
Coding change: c.1807G>A on transcript NM_001903.5 (MANE Select); coding-DNA position 1807, G replaced by A.
Protein change: p.Ala603Thr; replaces alanine 603 with threonine.
Molecular consequence: missense variant.
Genome position (GRCh38, 1-based): chr5:138,925,315, G>A. VCF-style: chr5-138925315-G-A. GRCh37 (hg19) VCF-style: chr5-138261004-G-A.
Other names: c.1807G>A, p.Ala603Thr (NM_001290307.3, NM_001323982.2, NM_001323983.1 and 2 more transcripts); c.1498G>A, p.Ala500Thr (NM_001290309.3); c.1438G>A, p.Ala480Thr (NM_001290310.3); c.697G>A, p.Ala233Thr (NM_001290312.1, NM_001323997.1, NM_001323998.1 and 17 more transcripts); c.1714G>A, p.Ala572Thr (NM_001323986.2); c.358G>A, p.Ala120Thr (NM_001324006.1, NM_001324007.1, NM_001324008.1 and 2 more transcripts); c.604G>A, p.Ala202Thr (NM_001324011.1); c.454G>A, p.Ala152Thr (NM_001324012.1, NM_001324013.1); short protein forms A152T, A500T, A572T, A603T, A233T, A202T, A480T, A120T.
Identifiers: ClinVar variation 3270098 (VCV003270098.2).
Genomic context (GRCh38, chr5:138,925,315, plus strand): 5'-GTCATGCCACGTTTTACTGAGCAAGTAGAAGCAGCCGTGGAAGCCCTCAGCTCGGACCCT[G>A]CCCAGCCCATGGATGAGAATGAGTTTATCGATGCTTCCCGCCTGGTATATGATGGCATCC-3'
Protein context (NP_001894.2, residues 593-613): AAVEALSSDP[Ala603Thr]QPMDENEFID

ClinVar aggregate classification (germline): Uncertain significance. Review status: criteria provided, multiple submitters, no conflicts (2 of 4 stars). 2 submissions from 2 submitters: Uncertain significance (2). Last evaluated 2025-08-14.

Conditions:
Hereditary cancer-predisposing syndrome. Also called: Tumor predisposition; Hereditary Cancer Syndrome; Hereditary neoplastic syndrome; Neoplastic Syndromes, Hereditary. Identifiers: Orphanet 140162, MedGen C0027672, MeSH D009386, MONDO:0015356.

Submissions (2):

Labcorp Genetics (formerly Invitae), Labcorp
Classification: Uncertain significance. Last evaluated: 2025-08-14. Review status: criteria provided, single submitter. Criteria: Invitae Variant Classification Sherloc (09022015). Collection method: clinical testing. Allele origin: germline.
Comment: This sequence change replaces alanine, which is neutral and non-polar, with threonine, which is neutral and polar, at codon 603 of the CTNNA1 protein (p.Ala603Thr). This variant is not present in population databases (gnomAD no frequency). This variant has not been reported in the literature in individuals affected with CTNNA1-related conditions. ClinVar contains an entry for this variant (Variation ID: 3270098). Invitae Evidence Modeling of protein sequence and biophysical properties (such as structural, functional, and spatial information, amino acid conservation, physicochemical variation, residue mobility, and thermodynamic stability) indicates that this missense variant is not expected to disrupt CTNNA1 protein function with a negative predictive value of 80%. In summary, the available evidence is currently insufficient to determine the role of this variant in disease. Therefore, it has been classified as a Variant of Uncertain Significance.

Ambry Genetics
Classification: Uncertain significance for Hereditary cancer-predisposing syndrome. Last evaluated: 2024-04-26. Review status: criteria provided, single submitter. Criteria: Ambry Variant Classification Scheme 2023. Collection method: clinical testing. Allele origin: germline.
Comment: The p.A603T variant (also known as c.1807G>A), located in coding exon 12 of the CTNNA1 gene, results from a G to A substitution at nucleotide position 1807. The alanine at codon 603 is replaced by threonine, an amino acid with similar properties. This amino acid position is conserved. In addition, this alteration is predicted to be tolerated by in silico analysis. Based on the available evidence, the clinical significance of this variant remains unclear.